The following is an entry in ClinVar:

ClinVar aggregate classification (germline): Uncertain significance (1 of 4 stars; one submission).

Submission:

Labcorp Genetics (formerly Invitae), Labcorp
Classification: Uncertain significance. Last evaluated: 2019-05-29. Review status: criteria provided, single submitter. Criteria: Invitae Variant Classification Sherloc (09022015). Collection method: clinical testing. Allele origin: germline.
Comment: This sequence change replaces cysteine with serine at codon 1788 of the POLE protein (p.Cys1788Ser). The cysteine residue is moderately conserved and there is a moderate physicochemical difference between cysteine and serine. This variant is not present in population databases (ExAC no frequency). This variant has not been reported in the literature in individuals with POLE-related conditions. Algorithms developed to predict the effect of missense changes on protein structure and function are either unavailable or do not agree on the potential impact of this missense change (SIFT: "Tolerated"; PolyPhen-2: "Possibly Damaging"; Align-GVGD: "Class C0"). In summary, the available evidence is currently insufficient to determine the role of this variant in disease. Therefore, it has been classified as a Variant of Uncertain Significance.

NM_006231.4(POLE):c.5362T>A (p.Cys1788Ser)

Gene: POLE (DNA polymerase epsilon, catalytic subunit; minus strand). Cytogenetic location: 12q24.33.
Variant type: single nucleotide variant.
Coding change: c.5362T>A on transcript NM_006231.4 (MANE Select); coding-DNA position 5362, T replaced by A.
Protein change: p.Cys1788Ser; replaces cysteine 1788 with serine.
Molecular consequence: missense variant.
Genome position (GRCh38, 1-based): chr12:132,641,663, A>T on the plus strand (T>A on the coding strand, the complement: POLE is on the minus strand). VCF-style: chr12-132641663-A-T. GRCh37 (hg19) VCF-style: chr12-133218249-A-T.
Other names: short protein forms C1788S.
Identifiers: ClinVar variation 852422 (VCV000852422.9), dbSNP rs2042144271, ClinGen allele CA387375729.